The following is an entry in ClinVar:

NM_004655.4(AXIN2):c.1907G>A (p.Ser636Asn)

Gene: AXIN2 (axin 2; minus strand). Cytogenetic location: 17q24.1.
Variant type: single nucleotide variant.
Coding change: c.1907G>A on transcript NM_004655.4 (MANE Select); coding-DNA position 1907, G replaced by A.
Protein change: p.Ser636Asn; replaces serine 636 with asparagine.
Molecular consequence: missense variant. On other transcripts: intron variant (1).
Genome position (GRCh38, 1-based): chr17:65,536,869, C>T on the plus strand (G>A on the coding strand, the complement: AXIN2 is on the minus strand). VCF-style: chr17-65536869-C-T. GRCh37 (hg19) VCF-style: chr17-63532987-C-T.
Other names: c.1907G>A (LRG_296t1); c.1713-316G>A (NM_001363813.1); short protein forms S636N.
Identifiers: ClinVar variation 578113 (VCV000578113.11), dbSNP rs1567754769, ClinGen allele CA400676373.

ClinVar aggregate classification (germline): Uncertain significance. Review status: criteria provided, multiple submitters, no conflicts (2 of 4 stars). 2 submissions from 2 submitters: Uncertain significance (2). Last evaluated 2025-11-25.

Conditions:
Oligodontia-cancer predisposition syndrome. Also called: TOOTH AGENESIS-COLORECTAL CANCER SYNDROME. Identifiers: Orphanet 300576, MedGen C1837750, MONDO:0012075, OMIM 608615. Disease mechanism: loss of function.
Hereditary cancer-predisposing syndrome. Also called: Tumor predisposition; Hereditary neoplastic syndrome; Hereditary Cancer Syndrome; Neoplastic Syndromes, Hereditary. Identifiers: Orphanet 140162, MedGen C0027672, MeSH D009386, MONDO:0015356.

Allele frequency attached by ClinVar (database versions not stated): gnomAD exomes below 0.00001.
gnomAD v4.1: 2 of 1,613,128 alleles (0.00012%); highest among the groups gnomAD compares: Non-Finnish European, 0.00017%; no homozygotes.

Submissions (2):

Labcorp Genetics (formerly Invitae), Labcorp
Classification: Uncertain significance for Oligodontia-cancer predisposition syndrome. Last evaluated: 2025-11-25. Review status: criteria provided, single submitter. Criteria: Invitae Variant Classification Sherloc (09022015). Collection method: clinical testing. Allele origin: germline.
Comment: This sequence change replaces serine, which is neutral and polar, with asparagine, which is neutral and polar, at codon 636 of the AXIN2 protein (p.Ser636Asn). This variant also falls at the last nucleotide of exon 7, which is part of the consensus splice site for this exon. This variant is not present in population databases (gnomAD no frequency). This variant has not been reported in the literature in individuals affected with AXIN2-related conditions. ClinVar contains an entry for this variant (Variation ID: 578113). An algorithm developed to predict the effect of missense changes on protein structure and function (PolyPhen-2) suggests that this variant is likely to be disruptive. Variants that disrupt the consensus splice site are a relatively common cause of aberrant splicing (PMID: 17576681, 9536098). Algorithms developed to predict the effect of sequence changes on RNA splicing suggest that this variant may disrupt the consensus splice site. In summary, the available evidence is currently insufficient to determine the role of this variant in disease. Therefore, it has been classified as a Variant of Uncertain Significance.

Ambry Genetics
Classification: Uncertain significance for Hereditary cancer-predisposing syndrome. Last evaluated: 2024-05-10. Review status: criteria provided, single submitter. Criteria: Ambry Variant Classification Scheme 2023. Collection method: clinical testing. Allele origin: germline.
Comment: The c.1907G>A variant (also known as p.S636N), located in coding exon 6 of the AXIN2 gene, results from a G to A substitution at nucleotide position 1907. The amino acid change results in serine to asparagine at codon 636, an amino acid with highly similar properties. However, this change occurs in the last base pair of coding exon 6, which makes it likely to have some effect on normal mRNA splicing. This nucleotide position is highly conserved in available vertebrate species. In silico splice site analysis predicts that this alteration will weaken the native splice donor site; however, direct evidence is insufficient at this time (Ambry internal data). Based on the available evidence, the clinical significance of this variant remains unclear.

Literature cited by the submitters: PubMed 17576681 (cited by Labcorp Genetics (formerly Invitae), Labcorp); PubMed 9536098 (cited by Labcorp Genetics (formerly Invitae), Labcorp).